The following is an entry in ClinVar:

NC_000007.13:g.(?_16445666)_(16445982_?)del

Gene: CRPPA (CDP-L-ribitol pyrophosphorylase A; minus strand). Cytogenetic location: 7p21.2.
Variant type: Deletion.
Identifiers: ClinVar variation 1072533 (VCV001072533.6).

ClinVar aggregate classification (germline): Pathogenic (1 of 4 stars; one submission).

Conditions:
Autosomal recessive limb-girdle muscular dystrophy type 2U. Also called: Muscular dystrophy-dystroglycanopathy (limb-girdle), type c, 7; MUSCULAR DYSTROPHY, LIMB-GIRDLE, TYPE 2U. Identifiers: Orphanet 352479, MedGen C5190987, MONDO:0014474, OMIM 616052.
Muscular dystrophy-dystroglycanopathy (congenital with brain and eye anomalies), type A, 7. Also called: WALKER-WARBURG SYNDROME OR MUSCLE-EYE-BRAIN DISEASE, ISPD-RELATED; Congenital muscular dystrophy-dystroglycanopathy with brain and eye anomalies, type A7. Identifiers: Orphanet 899, MedGen C3553330, MONDO:0013835, OMIM 614643.

Submission:

Labcorp Genetics (formerly Invitae), Labcorp
Classification: Pathogenic for Muscular dystrophy-dystroglycanopathy (congenital with brain and eye anomalies), type A, 7; Autosomal recessive limb-girdle muscular dystrophy type 2U. Last evaluated: 2020-02-15. Review status: criteria provided, single submitter. Criteria: Invitae Variant Classification Sherloc (09022015). Collection method: clinical testing. Allele origin: germline.
Comment: For these reasons, this variant has been classified as Pathogenic. Loss-of-function variants in ISPD are known to be pathogenic (PMID: 23288328). This variant has not been reported in the literature in individuals with ISPD-related conditions. This variant is an out-of-frame deletion of the genomic region encompassing exon 2 of the ISPD gene. This is expected to create a premature translational stop signal and result in an absent or disrupted protein product.

Literature cited by the submitters: PubMed 23288328.